The following is an entry in ClinVar:

NM_001130682.3(GUCY1A1):c.125C>A (p.Ala42Glu)

Gene: GUCY1A1 (guanylate cyclase 1 soluble subunit alpha 1; plus strand). Cytogenetic location: 4q32.1.
Variant type: single nucleotide variant.
Coding change: c.125C>A on transcript NM_001130682.3 (MANE Select); coding-DNA position 125, C replaced by A.
Protein change: p.Ala42Glu; replaces alanine 42 with glutamic acid.
Molecular consequence: missense variant. On other transcripts: 5 prime UTR variant (2).
Genome position (GRCh38, 1-based): chr4:155,696,992, C>A. VCF-style: chr4-155696992-C-A. GRCh37 (hg19) VCF-style: chr4-156618144-C-A.
Other names: p.Ala42Glu; c.125C>A, p.Ala42Glu (NM_000856.6, NM_001130683.4, NM_001130684.3 and 13 more transcripts); c.-581C>A (NM_001130685.3, NM_001440518.1); short protein forms A42E.
Identifiers: ClinVar variation 4541014 (VCV004541014.1).

ClinVar aggregate classification (germline): Uncertain significance (1 of 4 stars; one submission).

Submission:

Mayo Clinic Laboratories, Mayo Clinic
Classification: Uncertain significance. Last evaluated: 2025-08-15. Review status: criteria provided, single submitter. Criteria: ACMG Guidelines, 2015. Collection method: clinical testing. Allele origin: germline. Observed: 1 variant allele.
Comment: BP4, PM2_supporting